The following is an entry in ClinVar:

NM_001352514.2(HLCS):c.1002C>T (p.Ala334=)

Gene: HLCS (holocarboxylase synthetase; minus strand). Cytogenetic location: 21q22.13.
Variant type: single nucleotide variant.
Coding change: c.1002C>T on transcript NM_001352514.2 (MANE Select); coding-DNA position 1002, C replaced by T.
Protein change: p.Ala334=; no amino-acid change (alanine 334 retained).
Molecular consequence: synonymous variant. On other transcripts: non-coding transcript variant (2).
Genome position (GRCh38, 1-based): chr21:36,936,884, G>A on the plus strand (C>T on the coding strand, the complement: HLCS is on the minus strand). VCF-style: chr21-36936884-G-A. GRCh37 (hg19) VCF-style: chr21-38309184-G-A.
Other names: p.A187A:GCC>GCT; c.561C>T, p.Ala187= (NM_000411.8, NM_001242784.3, NM_001242785.2 and 4 more transcripts).
Identifiers: ClinVar variation 203761 (VCV000203761.40), dbSNP rs116114362, ClinGen allele CA312607.

ClinVar aggregate classification (germline): Benign/Likely benign. Review status: criteria provided, multiple submitters, no conflicts (2 of 4 stars). 5 submissions from 5 submitters: Benign (2); Likely benign (3). Last evaluated 2026-01-30.

Conditions:
Holocarboxylase synthetase deficiency. Also called: MULTIPLE CARBOXYLASE DEFICIENCY, EARLY ONSET. Identifiers: Orphanet 79242, MedGen C0268581, MONDO:0009666, OMIM 253270.

Allele frequency attached by ClinVar (database versions not stated): gnomAD exomes 0.00036 and 0.00090; ExAC 0.00120; 1000 Genomes Project 0.00300; gnomAD 0.00326 and 0.00352; 1000 Genomes Project 30x 0.00344; TOPMed 0.00361; ESP Exome Variant Server 0.00369.
gnomAD v4.1: 1,024 of 1,614,104 alleles (0.063%); highest among the groups gnomAD compares: African/African-American, 1.2%; 6 homozygotes.

Submissions (5):

Labcorp Genetics (formerly Invitae), Labcorp
Classification: Benign for Holocarboxylase synthetase deficiency. Last evaluated: 2026-01-30. Review status: criteria provided, single submitter. Criteria: Invitae Variant Classification Sherloc (09022015). Collection method: clinical testing. Allele origin: germline.

Blueprint Genetics
Classification: Likely benign. Last evaluated: 2024-07-06. Review status: criteria provided, single submitter. Criteria: ACMG Guidelines, 2015. Collection method: clinical testing. Allele origin: germline.

CeGaT Center for Human Genetics Tuebingen
Classification: Likely benign. Last evaluated: 2023-01-01. Review status: criteria provided, single submitter. Criteria: CeGaT Center For Human Genetics Tuebingen Variant Classification Criteria Version 2. Collection method: clinical testing. Allele origin: germline. Affected: yes. Observed: 1 variant allele.
Comment: HLCS: BP4, BP7, BS1

Illumina Laboratory Services, Illumina
Classification: Likely benign for Holocarboxylase synthetase deficiency. Last evaluated: 2018-01-13. Review status: criteria provided, single submitter. Criteria: ICSL Variant Classification Criteria 13 December 2019. Collection method: clinical testing. Allele origin: germline.
Comment: This variant was observed in the ICSL laboratory as part of a predisposition screen in an ostensibly healthy population. It had not been previously curated by ICSL or reported in the Human Gene Mutation Database (HGMD: prior to June 1st, 2018), and was therefore a candidate for classification through an automated scoring system. Utilizing variant allele frequency, disease prevalence and penetrance estimates, and inheritance mode, an automated score was calculated to assess if this variant is too frequent to cause the disease. Based on the score and internal cut-off values, a variant classified as likely benign is not then subjected to further curation. The score for this variant resulted in a classification of likely benign for this disease.

GeneDx
Classification: Benign. Last evaluated: 2014-10-17. Review status: criteria provided, single submitter. Criteria: GeneDx Variant Classification (06012015). Collection method: clinical testing. Allele origin: germline. Affected: yes.
Comment: This variant is considered likely benign or benign based on one or more of the following criteria: it is a conservative change, it occurs at a poorly conserved position in the protein, it is predicted to be benign by multiple in silico algorithms, and/or has population frequency not consistent with disease.